The following is an entry in ClinVar:

NM_018475.5(TMEM165):c.8C>T (p.Ala3Val)

Genes: TMEM165 (transmembrane protein 165; plus strand), LOC129992613 (ATAC-STARR-seq lymphoblastoid silent region 15439; plus strand). Cytogenetic location: 4q12.
Variant type: single nucleotide variant.
Coding change: c.8C>T on transcript NM_018475.5 (MANE Select); coding-DNA position 8, C replaced by T.
Protein change: p.Ala3Val; replaces alanine 3 with valine.
Molecular consequence: missense variant. On other transcripts: non-coding transcript variant (1).
Genome position (GRCh38, 1-based): chr4:55,396,197, C>T. VCF-style: chr4-55396197-C-T. GRCh37 (hg19) VCF-style: chr4-56262364-C-T.
Other names: short protein forms A3V.
Identifiers: ClinVar variation 1949989 (VCV001949989.5), dbSNP rs770675509, ClinGen allele CA2925430.

ClinVar aggregate classification (germline): Uncertain significance (1 of 4 stars; one submission).

Conditions:
TMEM165-congenital disorder of glycosylation. Also called: TMEM165-CDG; Congenital disorder of glycosylation type 2k; CDG IIk. Identifiers: Orphanet 314667, MedGen C3553571, MONDO:0013870, OMIM 614727.

Allele frequency attached by ClinVar (database versions not stated): TOPMed below 0.00001.
gnomAD v4.1: 4 of 1,422,358 alleles (0.00028%); highest among the groups gnomAD compares: Admixed American, 0.011%; no homozygotes.

Submission:

Labcorp Genetics (formerly Invitae), Labcorp
Classification: Uncertain significance for TMEM165-congenital disorder of glycosylation. Last evaluated: 2022-07-25. Review status: criteria provided, single submitter. Criteria: Invitae Variant Classification Sherloc (09022015). Collection method: clinical testing. Allele origin: germline.
Comment: The frequency data for this variant in the population databases is considered unreliable, as metrics indicate poor data quality at this position in the gnomAD database. In summary, the available evidence is currently insufficient to determine the role of this variant in disease. Therefore, it has been classified as a Variant of Uncertain Significance. Algorithms developed to predict the effect of missense changes on protein structure and function output the following: SIFT: "Tolerated"; PolyPhen-2: "Not Available"; Align-GVGD: "Class C0". The valine amino acid residue is found in multiple mammalian species, which suggests that this missense change does not adversely affect protein function. This variant has not been reported in the literature in individuals affected with TMEM165-related conditions. This sequence change replaces alanine, which is neutral and non-polar, with valine, which is neutral and non-polar, at codon 3 of the TMEM165 protein (p.Ala3Val).